The following is an entry in ClinVar:

NM_001166108.2(PALLD):c.3070C>T (p.His1024Tyr)

Genes: CBR4 (carbonyl reductase 4; minus strand), PALLD (palladin, cytoskeletal associated protein; plus strand). Cytogenetic location: 4q32.3.
Variant type: single nucleotide variant.
Coding change: c.3070C>T on transcript NM_001166108.2 (MANE Select); coding-DNA position 3070, C replaced by T.
Protein change: p.His1024Tyr; replaces histidine 1024 with tyrosine.
Molecular consequence: missense variant.
Genome position (GRCh38, 1-based): chr4:168,924,266, C>T. VCF-style: chr4-168924266-C-T. GRCh37 (hg19) VCF-style: chr4-169845417-C-T.
Other names: c.1873C>T, p.His625Tyr (NM_001166109.2); c.1558C>T, p.His520Tyr (NM_001166110.2); c.898C>T, p.His300Tyr (NM_001367567.1, NM_001367569.1); c.949C>T, p.His317Tyr (NM_001367568.1, NM_001367570.1); c.3019C>T, p.His1007Tyr (NM_016081.4); short protein forms H1024Y, H520Y, H1007Y, H300Y, H317Y, H625Y.
Identifiers: ClinVar variation 1798881 (VCV001798881.2), dbSNP rs2534250434, ClinGen allele CA358711670.
Genomic context (GRCh38, chr4:168,924,266, plus strand): 5'-TGCTCCTTTTGTATATCATTGATAGAGAATTCATCTCATGTTTTCTTAGCTAAAGAAGCA[C>T]ACAAACCCCCTGTGTTTATTGAGAAGCTCCAAAACACAGGAGTTGCTGATGGGTACCCAG-3'
Protein context (NP_001159580.1, residues 1014-1034): LELVVAAKEA[His1024Tyr]KPPVFIEKLQ

ClinVar aggregate classification (germline): Uncertain significance (1 of 4 stars; one submission).

Submission:

Ambry Genetics
Classification: Uncertain significance. Last evaluated: 2022-09-16. Review status: criteria provided, single submitter. Criteria: Ambry Variant Classification Scheme 2023. Collection method: clinical testing. Allele origin: germline.
Comment: The p.H1007Y variant (also known as c.3019C>T), located in coding exon 17 of the PALLD gene, results from a C to T substitution at nucleotide position 3019. The histidine at codon 1007 is replaced by tyrosine, an amino acid with similar properties. This amino acid position is conserved. In addition, this alteration is predicted to be tolerated by in silico analysis. Since supporting evidence is limited at this time, the clinical significance of this alteration remains unclear.